The following is an entry in ClinVar:

ClinVar aggregate classification (germline): Uncertain significance (1 of 4 stars; one submission).

Allele frequency attached by ClinVar (database versions not stated): TOPMed 0.00001; gnomAD exomes 0.00002; gnomAD 0.00003.

Submission:

Labcorp Genetics (formerly Invitae), Labcorp
Classification: Uncertain significance. Last evaluated: 2022-08-31. Review status: criteria provided, single submitter. Criteria: Invitae Variant Classification Sherloc (09022015). Collection method: clinical testing. Allele origin: germline.
Comment: In summary, the available evidence is currently insufficient to determine the role of this variant in disease. Therefore, it has been classified as a Variant of Uncertain Significance. This sequence change replaces valine, which is neutral and non-polar, with isoleucine, which is neutral and non-polar, at codon 362 of the GPR88 protein (p.Val362Ile). This variant is present in population databases (rs773946491, gnomAD 0.002%). Algorithms developed to predict the effect of missense changes on protein structure and function are either unavailable or do not agree on the potential impact of this missense change (SIFT: "Tolerated"; PolyPhen-2: "Not Available"; Align-GVGD: "Class C0"). This variant has not been reported in the literature in individuals affected with GPR88-related conditions.

NM_022049.3(GPR88):c.1084G>A (p.Val362Ile)

Gene: GPR88 (G protein-coupled receptor 88; plus strand). Cytogenetic location: 1p21.2.
Variant type: single nucleotide variant.
Coding change: c.1084G>A on transcript NM_022049.3 (MANE Select); coding-DNA position 1084, G replaced by A.
Protein change: p.Val362Ile; replaces valine 362 with isoleucine.
Molecular consequence: missense variant.
Genome position (GRCh38, 1-based): chr1:100,540,050, G>A. VCF-style: chr1-100540050-G-A. GRCh37 (hg19) VCF-style: chr1-101005606-G-A.
Other names: short protein forms V362I.
Identifiers: ClinVar variation 1991366 (VCV001991366.4), dbSNP rs773946491, ClinGen allele CA971166.